The following is an entry in ClinVar:

ClinVar aggregate classification (germline): Uncertain significance. Review status: criteria provided, multiple submitters, no conflicts (2 of 4 stars). 4 submissions from 4 submitters: Uncertain significance (4). Last evaluated 2025-11-24.

Conditions:
Developmental and epileptic encephalopathy, 18 (DEE18). Also called: Early infantile epileptic encephalopathy 18. Identifiers: Orphanet 369894, MedGen C3809624, MONDO:0014201, OMIM 615476.

Allele frequency attached by ClinVar (database versions not stated): TOPMed 0.00001; gnomAD 0.00003; gnomAD exomes 0.00005 and 0.00004; ExAC 0.00005.
gnomAD v4.1: 59 of 1,613,768 alleles (0.0037%); highest among the groups gnomAD compares: Admixed American, 0.0017%; no homozygotes.

Submissions (4):

GeneDx
Classification: Uncertain significance. Last evaluated: 2025-11-24. Review status: criteria provided, single submitter. Criteria: GeneDx Variant Classification Process June 2021. Collection method: clinical testing. Allele origin: germline. Affected: yes.
Comment: Has not been previously published as pathogenic or benign to our knowledge; In silico analysis supports that this missense variant has a deleterious effect on protein structure/function; In silico analysis suggests this variant may impact gene splicing. In the absence of RNA/functional studies, the actual effect of this sequence change is unknown.

Labcorp Genetics (formerly Invitae), Labcorp
Classification: Uncertain significance. Last evaluated: 2024-10-16. Review status: criteria provided, single submitter. Criteria: Invitae Variant Classification Sherloc (09022015). Collection method: clinical testing. Allele origin: germline.
Comment: This sequence change replaces aspartic acid, which is acidic and polar, with glycine, which is neutral and non-polar, at codon 2612 of the SZT2 protein (p.Asp2612Gly). This variant is present in population databases (rs201418010, gnomAD 0.1%). This variant has not been reported in the literature in individuals affected with SZT2-related conditions. ClinVar contains an entry for this variant (Variation ID: 851439). Invitae Evidence Modeling of protein sequence and biophysical properties (such as structural, functional, and spatial information, amino acid conservation, physicochemical variation, residue mobility, and thermodynamic stability) indicates that this missense variant is expected to disrupt SZT2 protein function with a positive predictive value of 80%. In summary, the available evidence is currently insufficient to determine the role of this variant in disease. Therefore, it has been classified as a Variant of Uncertain Significance.

Genome-Nilou Lab
Classification: Uncertain significance for Developmental and epileptic encephalopathy, 18. Last evaluated: 2023-04-11. Review status: criteria provided, single submitter. Criteria: ACMG Guidelines, 2015. Collection method: clinical testing. Allele origin: germline. Affected: no.

Revvity Omics, Revvity
Classification: Uncertain significance for Developmental and epileptic encephalopathy, 18. Last evaluated: 2020-11-17. Review status: criteria provided, single submitter. Criteria: ACMG Guidelines, 2015. Collection method: clinical testing. Allele origin: germline.

NM_001365999.1(SZT2):c.8006A>G (p.Asp2669Gly)

Gene: SZT2 (SZT2 subunit of KICSTOR complex; plus strand). Cytogenetic location: 1p34.2.
Variant type: single nucleotide variant.
Coding change: c.8006A>G on transcript NM_001365999.1 (MANE Select); coding-DNA position 8006, A replaced by G.
Protein change: p.Asp2669Gly; replaces aspartic acid 2669 with glycine.
Molecular consequence: missense variant.
Genome position (GRCh38, 1-based): chr1:43,442,473, A>G. VCF-style: chr1-43442473-A-G. GRCh37 (hg19) VCF-style: chr1-43908144-A-G.
Other names: c.7835A>G, p.Asp2612Gly (NM_015284.4); short protein forms D2612G, D2669G.
Identifiers: ClinVar variation 851439 (VCV000851439.15), dbSNP rs201418010, ClinGen allele CA810428.